The following is an entry in ClinVar:

ClinVar aggregate classification (germline): Pathogenic. Review status: criteria provided, multiple submitters, no conflicts (2 of 4 stars). 2 submissions from 2 submitters: Pathogenic (2). Last evaluated 2023-04-05.

Conditions:
Retinoblastoma (RB1). Also called: RETINOBLASTOMA, SOMATIC. Identifiers: Orphanet 790, MedGen C0035335, MeSH D012175, MONDO:0008380, OMIM 180200, HP:0009919. Disease mechanism: loss of function. Inheritance: Both sporadic and heritable forms are tested..

Submissions (2):

GeneDx
Classification: Pathogenic. Last evaluated: 2023-04-05. Review status: criteria provided, single submitter. Criteria: GeneDx Variant Classification Process June 2021. Collection method: clinical testing. Allele origin: germline. Affected: yes.
Comment: Frameshift variant predicted to result in protein truncation and nonsense mediated decay in a gene for which loss of function is a known mechanism of disease; Not observed at significant frequency in large population cohorts (gnomAD); This variant is associated with the following publications: (PMID: 17096365, 22205104)

Labcorp Genetics (formerly Invitae), Labcorp
Classification: Pathogenic for Retinoblastoma. Last evaluated: 2022-11-23. Review status: criteria provided, single submitter. Criteria: Invitae Variant Classification Sherloc (09022015). Collection method: clinical testing. Allele origin: germline.
Comment: ClinVar contains an entry for this variant (Variation ID: 1073218). For these reasons, this variant has been classified as Pathogenic. This premature translational stop signal has been observed in individual(s) with retinoblastoma (PMID: 22205104). This sequence change creates a premature translational stop signal (p.Ala22Glyfs*9) in the RB1 gene. It is expected to result in an absent or disrupted protein product. Loss-of-function variants in RB1 are known to be pathogenic (PMID: 17096365). This variant is not present in population databases (gnomAD no frequency).

Literature cited by the submitters: PubMed 22205104 (cited by Labcorp Genetics (formerly Invitae), Labcorp); PubMed 17096365 (cited by Labcorp Genetics (formerly Invitae), Labcorp).

NM_000321.3(RB1):c.62dup (p.Ala22fs)

Gene: RB1 (RB transcriptional corepressor 1; plus strand). Cytogenetic location: 13q14.2.
Variant type: Duplication.
Coding change: c.62dup on transcript NM_000321.3 (MANE Select); coding-DNA position 62, one base duplicated (C; older notation c.62dupC).
Protein change: p.Ala22fs; shifts the reading frame from alanine 22.
Molecular consequence: frameshift variant.
Genome position (GRCh38, 1-based): chr13:48,303,974, C duplicated; the last of 5 consecutive C bases (chr13:48,303,970-48,303,974); duplicating any one gives the same sequence. VCF-style (leftmost placement, unchanged base first): chr13-48303969-A-AC. GRCh37 (hg19) VCF-style: chr13-48878105-A-AC.
Other names: c.62dup (NM_000321.2); short protein forms A22fs.
Identifiers: ClinVar variation 1073218 (VCV001073218.10), dbSNP rs1469887040, ClinGen allele CA2499222422.
Genomic context (GRCh38, chr13:48,303,969, plus strand): 5'-CGTCATGCCGCCCAAAACCCCCCGAAAAACGGCCGCCACCGCCGCCGCTGCCGCCGCGGA[A>AC]CCCCCGGCACCGCCGCCGCCGCCCCCTCCTGAGGAGGACCCAGAGCAGGACAGCGGCCCG-3'